The following is an entry in ClinVar:

ClinVar aggregate classification (germline): Uncertain significance (1 of 4 stars; one submission).

gnomAD v4.1: 1 of 1,613,612 alleles (0.000062%); no homozygotes.

Submission:

Labcorp Genetics (formerly Invitae), Labcorp
Classification: Uncertain significance. Last evaluated: 2025-03-07. Review status: criteria provided, single submitter. Criteria: Invitae Variant Classification Sherloc (09022015). Collection method: clinical testing. Allele origin: germline.
Comment: This sequence change replaces alanine, which is neutral and non-polar, with valine, which is neutral and non-polar, at codon 70 of the COL11A2 protein (p.Ala70Val). This variant is not present in population databases (gnomAD no frequency). This variant has not been reported in the literature in individuals affected with COL11A2-related conditions. Invitae Evidence Modeling of protein sequence and biophysical properties (such as structural, functional, and spatial information, amino acid conservation, physicochemical variation, residue mobility, and thermodynamic stability) indicates that this missense variant is not expected to disrupt COL11A2 protein function with a negative predictive value of 95%. In summary, the available evidence is currently insufficient to determine the role of this variant in disease. Therefore, it has been classified as a Variant of Uncertain Significance.

NM_080680.3(COL11A2):c.209C>T (p.Ala70Val)

Gene: COL11A2 (collagen type XI alpha 2 chain; minus strand). Cytogenetic location: 6p21.32.
Variant type: single nucleotide variant.
Coding change: c.209C>T on transcript NM_080680.3 (MANE Select); coding-DNA position 209, C replaced by T.
Protein change: p.Ala70Val; replaces alanine 70 with valine.
Molecular consequence: missense variant. On other transcripts: 5 prime UTR variant (3), non-coding transcript variant (1).
Genome position (GRCh38, 1-based): chr6:33,189,343, G>A on the plus strand (C>T on the coding strand, the complement: COL11A2 is on the minus strand). VCF-style: chr6-33189343-G-A. GRCh37 (hg19) VCF-style: chr6-33157120-G-A.
Other names: c.209C>T, p.Ala70Val (NM_001163771.2, NM_001424108.1, NM_080679.3 and 1 more transcripts); c.-638C>T (NM_001424109.1, NM_001424110.1, NM_001424111.1); short protein forms A70V.
Identifiers: ClinVar variation 4691478 (VCV004691478.1).
Genomic context (GRCh38, chr6:33,189,343, plus strand): 5'-ACCTCCCCCCAGGCCTACCCCACCATGTCACCCATACCTGGGAAAAGCTGGCGAGTGGGT[G>A]CACTGAGCTGGGCAGGTCGTGCCACTCGGTAGGCCACATCAGCTGGACAGATGCCTTTCG-3'
Protein context (NP_542411.2, residues 60-80): YRVARPAQLS[Ala70Val]PTRQLFPGGF